The following is an entry in ClinVar:

NM_006939.4(SOS2):c.2723A>G (p.Asp908Gly)

Gene: SOS2 (SOS Ras/Rho guanine nucleotide exchange factor 2; minus strand). Cytogenetic location: 14q21.3.
Variant type: single nucleotide variant.
Coding change: c.2723A>G on transcript NM_006939.4 (MANE Select); coding-DNA position 2723, A replaced by G.
Protein change: p.Asp908Gly; replaces aspartic acid 908 with glycine.
Molecular consequence: missense variant.
Genome position (GRCh38, 1-based): chr14:50,140,004, T>C on the plus strand (A>G on the coding strand, the complement: SOS2 is on the minus strand). VCF-style: chr14-50140004-T-C. GRCh37 (hg19) VCF-style: chr14-50606722-T-C.
Other names: c.2624A>G, p.Asp875Gly (NM_001411020.1); short protein forms D908G, D875G.
Identifiers: ClinVar variation 2710448 (VCV002710448.3), dbSNP rs2502886080, ClinGen allele CA389642736.
Genomic context (GRCh38, chr14:50,140,004, plus strand): 5'-AAAAAAGGCACACAAGGTGGATTGATTGACTTAAGTTTTACTAGGTATTTTTTAAAGTGA[T>C]CTTGACTTAATTCCACAGCTTCGTCCAAAATTTTCCTTTTCCTTTCCTGCAGTGCCTTAA-3'
Protein context (NP_008870.2, residues 898-918): ILDEAVELSQ[Asp908Gly]HFKKYLVKLK

ClinVar aggregate classification (germline): Uncertain significance (1 of 4 stars; one submission).

Conditions:
Noonan syndrome 9 (NS9). Identifiers: Orphanet 648, MedGen C4225282, MONDO:0014691, OMIM 616559.

Submission:

Labcorp Genetics (formerly Invitae), Labcorp
Classification: Uncertain significance for Noonan syndrome 9. Last evaluated: 2024-01-20. Review status: criteria provided, single submitter. Criteria: Invitae Variant Classification Sherloc (09022015). Collection method: clinical testing. Allele origin: germline.
Comment: This sequence change replaces aspartic acid, which is acidic and polar, with glycine, which is neutral and non-polar, at codon 908 of the SOS2 protein (p.Asp908Gly). This variant is not present in population databases (gnomAD no frequency). This variant has not been reported in the literature in individuals affected with SOS2-related conditions. Advanced modeling of protein sequence and biophysical properties (such as structural, functional, and spatial information, amino acid conservation, physicochemical variation, residue mobility, and thermodynamic stability) performed at Invitae indicates that this missense variant is expected to disrupt SOS2 protein function with a positive predictive value of 80%. In summary, the available evidence is currently insufficient to determine the role of this variant in disease. Therefore, it has been classified as a Variant of Uncertain Significance.